The following is an entry in ClinVar:

NM_001105206.3(LAMA4):c.297+8G>A

Gene: LAMA4 (laminin subunit alpha 4; minus strand). Cytogenetic location: 6q21.
Variant type: single nucleotide variant.
Coding change: c.297+8G>A on transcript NM_001105206.3 (MANE Select); 8 bases into the intron after coding-DNA position 297, G replaced by A.
Molecular consequence: intron variant.
Genome position (GRCh38, 1-based): chr6:112,216,360, C>T on the plus strand (G>A on the coding strand, the complement: LAMA4 is on the minus strand). VCF-style: chr6-112216360-C-T. GRCh37 (hg19) VCF-style: chr6-112537561-C-T.
Other names: c.297+8G>A (NM_002290.5, NM_001105207.3).
Identifiers: ClinVar variation 44371 (VCV000044371.22), dbSNP rs200595773, ClinGen allele CA134034.

ClinVar aggregate classification (germline): Benign/Likely benign. Review status: criteria provided, multiple submitters, no conflicts (2 of 4 stars). 8 submissions from 8 submitters: Benign (3); Likely benign (2). 3 of the submissions do not count toward it. Last evaluated 2026-01-29.

Conditions:
LAMA4-related disorder. Also called: LAMA4-related condition.
Dilated cardiomyopathy 1JJ (CMD1JJ). Identifiers: Orphanet 154, MedGen C3808935, MONDO:0014095, OMIM 615235.

Allele frequency attached by ClinVar (database versions not stated): gnomAD exomes 0.00018; ExAC 0.00033; gnomAD 0.00071 and 0.00075; TOPMed 0.00076; 1000 Genomes Project 0.00080; 1000 Genomes Project 30x 0.00094; ESP Exome Variant Server 0.00100.
gnomAD v4.1: 217 of 1,587,596 alleles (0.014%); highest among the groups gnomAD compares: African/African-American, 0.27%; 2 homozygotes.

Submissions (8):

Labcorp Genetics (formerly Invitae), Labcorp
Classification: Benign for Dilated cardiomyopathy 1JJ. Last evaluated: 2026-01-29. Review status: criteria provided, single submitter. Criteria: Invitae Variant Classification Sherloc (09022015). Collection method: clinical testing. Allele origin: germline.

Women's Health and Genetics/Laboratory Corporation of America, LabCorp
Classification: Benign. Last evaluated: 2025-03-17. Review status: criteria provided, single submitter. Criteria: LabCorp Variant Classification Summary - May 2015. Collection method: clinical testing. Allele origin: germline.

Blueprint Genetics
Classification: Likely benign. Last evaluated: 2024-06-20. Review status: criteria provided, single submitter. Criteria: ACMG Guidelines, 2015. Collection method: clinical testing. Allele origin: germline.

GeneDx
Classification: Likely benign. Last evaluated: 2017-09-25. Review status: criteria provided, single submitter. Criteria: GeneDx Variant Classification (06012015). Collection method: clinical testing. Allele origin: germline. Affected: yes.
Comment: This variant is considered likely benign or benign based on one or more of the following criteria: it is a conservative change, it occurs at a poorly conserved position in the protein, it is predicted to be benign by multiple in silico algorithms, and/or has population frequency not consistent with disease.

Laboratory for Molecular Medicine, Mass General Brigham Personalized Medicine
Classification: Benign. Last evaluated: 2012-07-17. Review status: criteria provided, single submitter. Criteria: LMM Criteria. Collection method: clinical testing. Allele origin: germline. Observed: 3 variant alleles.
Comment: 297+8G>A in Intron 03 of LAMA4: This variant is not expected to have clinical si gnificance because it is not located within the splice consensus sequence. It ha s been identified in 0.3% (10/3738) of African American chromosomes from a broad population by the NHLBI Exome Sequencing Project (EVS;). 297+8G>A in Intron 03 of LAMA4 (allele frequency = 0.3%, 10/3738) **

PreventionGenetics, part of Exact Sciences
Classification: Likely benign for LAMA4-related condition. Last evaluated: 2019-11-25. Review status: no assertion criteria provided. Collection method: clinical testing. Allele origin: germline. Not counted in ClinVar's aggregate classification.
Comment: This variant is classified as likely benign based on ACMG/AMP sequence variant interpretation guidelines (Richards et al. 2015 PMID: 25741868, with internal and published modifications).

Clinical Genetics DNA and cytogenetics Diagnostics Lab, Erasmus MC, Erasmus Medical Center
Classification: Likely benign. Review status: no assertion criteria provided. Collection method: clinical testing. Allele origin: germline. Affected: yes. Study: VKGL Data-share Consensus. Not counted in ClinVar's aggregate classification.

Clinical Genetics, Academic Medical Center
Classification: Benign. Review status: no assertion criteria provided. Collection method: clinical testing. Allele origin: germline. Affected: yes. Study: VKGL Data-share Consensus. Not counted in ClinVar's aggregate classification.